The following is an entry in ClinVar:

NM_000059.4(BRCA2):c.5987dup (p.Arg1997fs)

Gene: BRCA2 (BRCA2 DNA repair associated; plus strand). Cytogenetic location: 13q13.1.
Variant type: Duplication.
Coding change: c.5987dup on transcript NM_000059.4 (MANE Select); coding-DNA position 5987, one base duplicated (C; older notation c.5987dupC).
Protein change: p.Arg1997fs; shifts the reading frame from arginine 1997.
Molecular consequence: frameshift variant. On other transcripts: non-coding transcript variant (1), intron variant (2).
Genome position (GRCh38, 1-based): chr13:32,340,342, C duplicated. VCF-style (leftmost placement, unchanged base first): chr13-32340341-G-GC. GRCh37 (hg19) VCF-style: chr13-32914478-G-GC.
Other names: c.5987dupC (NM_000059.3); c.5987dup, p.Arg1997fs (NM_001406719.1, NM_001406720.1, NM_001432077.1); c.1910-4216dup (NM_001406721.1); c.425-4216dup (NM_001406722.1); short protein forms R1997fs.
Identifiers: ClinVar variation 3992751 (VCV003992751.2).
Genomic context (GRCh38, chr13:32,340,341, plus strand): 5'-GGGATTTTTAGCACAGCAAGTGGAAAATCTGTCCAGGTATCAGATGCTTCATTACAAAAC[G>GC]CAAGACAAGTGTTTTCTGAAATAGAAGATAGTACCAAGCAAGTCTTTTCCAAAGTATTGT-3'

ClinVar aggregate classification (germline): Pathogenic/Likely pathogenic. Review status: criteria provided, multiple submitters, no conflicts (2 of 4 stars). 2 submissions from 2 submitters: Pathogenic (1); Likely pathogenic (1). Last evaluated 2025-04-02.

Conditions:
Hereditary cancer-predisposing syndrome. Also called: Tumor predisposition; Hereditary neoplastic syndrome; Neoplastic Syndromes, Hereditary; Hereditary Cancer Syndrome. Identifiers: Orphanet 140162, MedGen C0027672, MeSH D009386, MONDO:0015356.

Submissions (2):

Ambry Genetics
Classification: Pathogenic for Hereditary cancer-predisposing syndrome. Last evaluated: 2025-04-02. Review status: criteria provided, single submitter. Criteria: Ambry Variant Classification Scheme 2023. Collection method: clinical testing. Allele origin: germline.
Comment: The c.5987dupC pathogenic mutation, located in coding exon 10 of the BRCA2 gene, results from a duplication of C at nucleotide position 5987, causing a translational frameshift with a predicted alternate stop codon (p.R1997Kfs*6). This variant was reported in individual(s) with features consistent with BRCA2-related cancer predisposition (Liu Z et al. Front Oncol, 2024 Sep;14:1428849). This variant is considered to be rare based on population cohorts in the Genome Aggregation Database (gnomAD). This alteration is expected to result in loss of function by premature protein truncation or nonsense-mediated mRNA decay. As such, this alteration is interpreted as a disease-causing mutation.

Revvity Omics, Revvity
Classification: Likely pathogenic. Last evaluated: 2024-08-22. Review status: criteria provided, single submitter. Criteria: ACMG Guidelines, 2015. Collection method: clinical testing. Allele origin: germline.

Literature cited by the submitters: PubMed 39364320 (cited by Ambry Genetics).